The following is an entry in ClinVar:

ClinVar aggregate classification (germline): Pathogenic. Review status: criteria provided, multiple submitters, no conflicts (2 of 4 stars). 3 submissions from 3 submitters: Pathogenic (3). Last evaluated 2024-04-04.

Conditions:
Hereditary spherocytosis type 2. Also called: SPHEROCYTOSIS, TYPE 2, AUTOSOMAL DOMINANT. Identifiers: Orphanet 822, MedGen C2674219, MONDO:0000913, OMIM 616649.

Submissions (3):

Revvity Omics, Revvity
Classification: Pathogenic. Last evaluated: 2024-04-04. Review status: criteria provided, single submitter. Criteria: ACMG Guidelines, 2015. Collection method: clinical testing. Allele origin: germline.

ARUP Laboratories, Molecular Genetics and Genomics, ARUP Laboratories
Classification: Pathogenic. Last evaluated: 2022-03-28. Review status: criteria provided, single submitter. Criteria: ARUP Molecular Germline Variant Investigation Process 2021. Collection method: clinical testing. Allele origin: germline.
Comment: The SPTB c.1024C>T; p.Gln342Ter variant is reported in the literature in one individual affected with hereditary spherocytosis (Fermo 2021) . This variant is also reported in ClinVar (Variation ID: 992929). This variant is absent from the Genome Aggregation Database, indicating it is not a common polymorphism. This variant induces an early termination codon and is predicted to result in a truncated protein or mRNA subject to nonsense-mediated decay. Based on available information, this variant is considered to be pathogenic.

UOS Fisiopatologia delle Anemie, Fondazione IRCCS Ca' Granda Ospedale Maggiore Policlinico Milano
Classification: Pathogenic for Hereditary spherocytosis type 2. Last evaluated: 2019-11-25. Review status: criteria provided, single submitter. Criteria: ACMG Guidelines, 2015. Collection method: clinical testing. Allele origin: germline. Affected: yes. Observed: 1 variant allele.

NM_001355436.2(SPTB):c.1024C>T (p.Gln342Ter)

Gene: SPTB (spectrin beta, erythrocytic; minus strand). Cytogenetic location: 14q23.3.
Variant type: single nucleotide variant.
Coding change: c.1024C>T on transcript NM_001355436.2 (MANE Select); coding-DNA position 1024, C replaced by T.
Protein change: p.Gln342Ter; replaces glutamine 342 with a stop codon.
Molecular consequence: nonsense.
Genome position (GRCh38, 1-based): chr14:64,799,787, G>A on the plus strand (C>T on the coding strand, the complement: SPTB is on the minus strand). VCF-style: chr14-64799787-G-A. GRCh37 (hg19) VCF-style: chr14-65266505-G-A.
Other names: c.1024C>T, p.Gln342Ter (NM_001024858.4, NM_001355437.2); short protein forms Q342*.
Identifiers: ClinVar variation 992929 (VCV000992929.5), dbSNP rs2139621075, ClinGen allele CA390029017.